The following is an entry in ClinVar:

ClinVar aggregate classification (germline): Uncertain significance (1 of 4 stars; one submission).

Conditions:
Dilated cardiomyopathy 1O (CMD1O). Also called: CARDIOMYOPATHY, DILATED, WITH VENTRICULAR TACHYCARDIA. Identifiers: Orphanet 154, MedGen C1837839, MONDO:0012062, OMIM 608569.

Submission:

Labcorp Genetics (formerly Invitae), Labcorp
Classification: Uncertain significance for Dilated cardiomyopathy 1O. Last evaluated: 2026-01-05. Review status: criteria provided, single submitter. Criteria: Invitae Variant Classification Sherloc (09022015). Collection method: clinical testing. Allele origin: germline.
Comment: This sequence change replaces glycine, which is neutral and non-polar, with tryptophan, which is neutral and slightly polar, at codon 814 of the ABCC9 protein (p.Gly814Trp). This variant is not present in population databases (gnomAD no frequency). This missense change has been observed in individual(s) with clinical features of Cantu syndrome (PMID: 39031464). It has also been observed to segregate with disease in related individuals. ClinVar contains an entry for this variant (Variation ID: 1481118). Invitae Evidence Modeling of protein sequence and biophysical properties (such as structural, functional, and spatial information, amino acid conservation, physicochemical variation, residue mobility, and thermodynamic stability) has been performed for this missense variant. However, the output from this modeling did not meet the statistical confidence thresholds required to predict the impact of this variant on ABCC9 protein function. Experimental studies have shown that this missense change affects ABCC9 function (PMID: 39031464). In summary, the available evidence is currently insufficient to determine the role of this variant in disease. Therefore, it has been classified as a Variant of Uncertain Significance.

Literature cited by the submitters: PubMed 39031464.

NM_020297.4(ABCC9):c.2440G>T (p.Gly814Trp)

Gene: ABCC9 (ATP binding cassette subfamily C member 9; minus strand). Cytogenetic location: 12p12.1.
Variant type: single nucleotide variant.
Coding change: c.2440G>T on transcript NM_020297.4 (MANE Select); coding-DNA position 2440, G replaced by T.
Protein change: p.Gly814Trp; replaces glycine 814 with tryptophan.
Molecular consequence: missense variant.
Genome position (GRCh38, 1-based): chr12:21,859,651, C>A on the plus strand (G>T on the coding strand, the complement: ABCC9 is on the minus strand). VCF-style: chr12-21859651-C-A. GRCh37 (hg19) VCF-style: chr12-22012585-C-A.
Other names: c.2440G>T, p.Gly814Trp (NM_001377273.1, NM_005691.4); c.1573G>T, p.Gly525Trp (NM_001377274.1); short protein forms G525W, G814W.
Identifiers: ClinVar variation 1481118 (VCV001481118.6), dbSNP rs2137495684, ClinGen allele CA384127053.